The following is an entry in ClinVar:

NM_012092.4(ICOS):c.229A>G (p.Ile77Val)

Gene: ICOS (inducible T cell costimulator; plus strand). Cytogenetic location: 2q33.2.
Variant type: single nucleotide variant.
Coding change: c.229A>G on transcript NM_012092.4 (MANE Select); coding-DNA position 229, A replaced by G.
Protein change: p.Ile77Val; replaces isoleucine 77 with valine.
Molecular consequence: missense variant.
Genome position (GRCh38, 1-based): chr2:203,955,806, A>G. VCF-style: chr2-203955806-A-G. GRCh37 (hg19) VCF-style: chr2-204820529-A-G.
Other names: short protein forms I77V.
Identifiers: ClinVar variation 847746 (VCV000847746.8), dbSNP rs1048198057, ClinGen allele CA63851122.

ClinVar aggregate classification (germline): Uncertain significance. Review status: criteria provided, multiple submitters, no conflicts (2 of 4 stars). 2 submissions from 2 submitters: Uncertain significance (2). Last evaluated 2025-10-23.

Conditions:
Inborn genetic diseases. Identifiers: MedGen C0950123, MeSH D030342.
Immunodeficiency, common variable, 1. Also called: ANTIBODY DEFICIENCY DUE TO ICOS DEFECT. Identifiers: Orphanet 1572, Orphanet 695183, MedGen C3149378, MONDO:0011864, OMIM 607594.

Allele frequency attached by ClinVar (database versions not stated): gnomAD 0.00001; gnomAD exomes 0.00002 and 0.00005; TOPMed 0.00003.
gnomAD v4.1: 68 of 1,613,800 alleles (0.0042%); highest among the groups gnomAD compares: Non-Finnish European, 0.0054%; no homozygotes.

Submissions (2):

Ambry Genetics
Classification: Uncertain significance for Inborn genetic diseases. Last evaluated: 2025-10-23. Review status: criteria provided, single submitter. Criteria: Ambry Variant Classification Scheme 2023. Collection method: clinical testing. Allele origin: germline.

Labcorp Genetics (formerly Invitae), Labcorp
Classification: Uncertain significance for Immunodeficiency, common variable, 1. Last evaluated: 2022-08-22. Review status: criteria provided, single submitter. Criteria: Invitae Variant Classification Sherloc (09022015). Collection method: clinical testing. Allele origin: germline.
Comment: This sequence change replaces isoleucine, which is neutral and non-polar, with valine, which is neutral and non-polar, at codon 77 of the ICOS protein (p.Ile77Val). This variant is present in population databases (no rsID available, gnomAD 0.003%). This variant has not been reported in the literature in individuals affected with ICOS-related conditions. ClinVar contains an entry for this variant (Variation ID: 847746). Algorithms developed to predict the effect of missense changes on protein structure and function output the following: SIFT: "Tolerated"; PolyPhen-2: "Benign"; Align-GVGD: "Class C0". The valine amino acid residue is found in multiple mammalian species, which suggests that this missense change does not adversely affect protein function. In summary, the available evidence is currently insufficient to determine the role of this variant in disease. Therefore, it has been classified as a Variant of Uncertain Significance.